The following is an entry in ClinVar:

ClinVar aggregate classification (germline): Uncertain significance (1 of 4 stars; one submission).

Conditions:
POLR3B-related disorder. Also called: POLR3B-related condition; POLR3B-related disorders. Identifiers: MedGen CN378588, MONDO:0700277.

gnomAD v4.1: 1 of 1,613,188 alleles (0.000062%); highest among the groups gnomAD compares: Non-Finnish European, 0.000085%; no homozygotes.

Submission:

PreventionGenetics, part of Exact Sciences
Classification: Uncertain significance for POLR3B-related condition. Last evaluated: 2024-11-07. Review status: criteria provided, single submitter. Criteria: ACMG Guidelines, 2015. Collection method: clinical testing. Allele origin: germline.
Comment: The POLR3B c.1433T>C variant is predicted to result in the amino acid substitution p.Met478Thr. To our knowledge, this variant has not been reported in the literature or in a large population database (gnomAD), indicating this variant is rare. At this time, the clinical significance of this variant is uncertain due to the absence of conclusive functional and genetic evidence.

NM_018082.6(POLR3B):c.1433T>C (p.Met478Thr)

Gene: POLR3B (RNA polymerase III subunit B; plus strand). Cytogenetic location: 12q23.3.
Variant type: single nucleotide variant.
Coding change: c.1433T>C on transcript NM_018082.6 (MANE Select); coding-DNA position 1433, T replaced by C.
Protein change: p.Met478Thr; replaces methionine 478 with threonine.
Molecular consequence: missense variant.
Genome position (GRCh38, 1-based): chr12:106,430,442, T>C. VCF-style: chr12-106430442-T-C. GRCh37 (hg19) VCF-style: chr12-106824220-T-C.
Other names: c.1259T>C, p.Met420Thr (NM_001160708.2); short protein forms M478T, M420T.
Identifiers: ClinVar variation 4982965 (VCV004982965.1).